The following is an entry in ClinVar:

NM_001114753.3(ENG):c.254C>G (p.Ser85Cys)

Gene: ENG (endoglin; minus strand). Cytogenetic location: 9q34.11.
Variant type: single nucleotide variant.
Coding change: c.254C>G on transcript NM_001114753.3 (MANE Select); coding-DNA position 254, C replaced by G.
Protein change: p.Ser85Cys; replaces serine 85 with cysteine.
Molecular consequence: missense variant. On other transcripts: 5 prime UTR variant (1).
Genome position (GRCh38, 1-based): chr9:127,829,793, G>C on the plus strand (C>G on the coding strand, the complement: ENG is on the minus strand). VCF-style: chr9-127829793-G-C. GRCh37 (hg19) VCF-style: chr9-130592072-G-C.
Other names: c.254C>G, p.Ser85Cys (NM_000118.4, NM_001406715.1); c.-293C>G (NM_001278138.2); short protein forms S85C.
Identifiers: ClinVar variation 4839289 (VCV004839289.2).

ClinVar aggregate classification (germline): Uncertain significance (1 of 4 stars; one submission).

Conditions:
Cardiovascular phenotype. Identifiers: MedGen CN230736.

Submission:

Ambry Genetics
Classification: Uncertain significance for Cardiovascular phenotype. Last evaluated: 2026-09-11. Review status: criteria provided, single submitter. Criteria: Ambry Variant Classification Scheme 2023. Collection method: clinical testing. Allele origin: germline.
Comment: The p.S85C variant (also known as c.254C>G), located in coding exon 3 of the ENG gene, results from a C to G substitution at nucleotide position 254. The serine at codon 85 is replaced by cysteine, an amino acid with dissimilar properties. This amino acid position is conserved. In addition, this alteration is predicted to be tolerated by in silico analysis. Based on the available evidence, the clinical significance of this variant remains unclear.